The following is an entry in ClinVar:

ClinVar aggregate classification (germline): Uncertain significance. Review status: criteria provided, multiple submitters, no conflicts (2 of 4 stars). 2 submissions from 2 submitters: Uncertain significance (2). Last evaluated 2025-08-25.

Conditions:
Charcot-Marie-Tooth disease type 4. Also called: Charcot-Marie-Tooth disease, type IV; Charcot-Marie-Tooth, Type 4. Identifiers: Orphanet 64749, MedGen C4082197, MONDO:0018995.
Inborn genetic diseases. Identifiers: MedGen C0950123, MeSH D030342.

Allele frequency attached by ClinVar (database versions not stated): TOPMed 0.00009; 1000 Genomes Project 0.00040; ExAC 0.00004; gnomAD exomes 0.00006; gnomAD 0.00009; 1000 Genomes Project 30x 0.00047.

Submissions (2):

Ambry Genetics
Classification: Uncertain significance for Inborn genetic diseases. Last evaluated: 2025-08-25. Review status: criteria provided, single submitter. Criteria: Ambry Variant Classification Scheme 2023. Collection method: clinical testing. Allele origin: germline.

Labcorp Genetics (formerly Invitae), Labcorp
Classification: Uncertain significance for Charcot-Marie-Tooth disease type 4. Last evaluated: 2023-12-06. Review status: criteria provided, single submitter. Criteria: Invitae Variant Classification Sherloc (09022015). Collection method: clinical testing. Allele origin: germline.
Comment: This sequence change replaces arginine, which is basic and polar, with glutamine, which is neutral and polar, at codon 364 of the PRX protein (p.Arg364Gln). This variant is present in population databases (rs561482109, gnomAD 0.03%). This variant has not been reported in the literature in individuals affected with PRX-related conditions. ClinVar contains an entry for this variant (Variation ID: 648140). An algorithm developed to predict the effect of missense changes on protein structure and function (PolyPhen-2) suggests that this variant¬†is likely to be tolerated. In summary, the available evidence is currently insufficient to determine the role of this variant in disease. Therefore, it has been classified as a Variant of Uncertain Significance.

NM_181882.3(PRX):c.1091G>A (p.Arg364Gln)

Gene: PRX (periaxin; minus strand). Cytogenetic location: 19q13.2.
Variant type: single nucleotide variant.
Coding change: c.1091G>A on transcript NM_181882.3 (MANE Select); coding-DNA position 1091, G replaced by A.
Protein change: p.Arg364Gln; replaces arginine 364 with glutamine.
Molecular consequence: missense variant. On other transcripts: 3 prime UTR variant (1).
Genome position (GRCh38, 1-based): chr19:40,397,261, C>T on the plus strand (G>A on the coding strand, the complement: PRX is on the minus strand). VCF-style: chr19-40397261-C-T. GRCh37 (hg19) VCF-style: chr19-40903168-C-T.
Other names: c.*1296G>A (NM_020956.2); short protein forms R364Q.
Identifiers: ClinVar variation 648140 (VCV000648140.7), dbSNP rs561482109, ClinGen allele CA9444328.